The following is an entry in ClinVar:

NM_007294.4(BRCA1):c.158A>T (p.Asn53Ile)

Gene: BRCA1 (BRCA1 DNA repair associated; minus strand). Cytogenetic location: 17q21.31.
Variant type: single nucleotide variant.
Coding change: c.158A>T on transcript NM_007294.4 (MANE Select); coding-DNA position 158, A replaced by T.
Protein change: p.Asn53Ile; replaces asparagine 53 with isoleucine.
Molecular consequence: missense variant. On other transcripts: non-coding transcript variant (1).
Genome position (GRCh38, 1-based): chr17:43,106,510, T>A on the plus strand (A>T on the coding strand, the complement: BRCA1 is on the minus strand). VCF-style: chr17-43106510-T-A. GRCh37 (hg19) VCF-style: chr17-41258527-T-A.
Other names: c.158A>T, p.Asn53Ile (NM_001408404.1, NM_001408406.1, NM_001408407.1 and 168 more transcripts); c.17A>T, p.Asn6Ile (NM_001408410.1, NM_001408452.1, NM_001408453.1 and 99 more transcripts); c.-31A>T (NM_001408478.1, NM_001408479.1, NM_001408480.1 and 58 more transcripts); short protein forms N53I, N6I.
Identifiers: ClinVar variation 867900 (VCV000867900.3), dbSNP rs1438140067, ClinGen allele CA10601839.

Conditions:
Breast-ovarian cancer, familial, susceptibility to, 1 (BROVCA1). Also called: BRCA1 Hereditary Breast and Ovarian Cancer; OVARIAN CANCER, SUSCEPTIBILITY TO. Identifiers: Orphanet 145, MedGen C2676676, MONDO:0011450, OMIM 604370. Disease mechanism: loss of function.

Submission:

Brotman Baty Institute, University of Washington
No classification provided (evidence only). Condition: Breast-ovarian cancer, familial 1. Review status: no classification provided. Collection method: in vitro. Allele origin: not applicable. Functional consequence: functionally_normal.
ClinVar note: "not provided" was previously submitted as the classification for the variant. However, the classification appeared to be based only on an observation of functional data so it was converted to no classification on 2025-07-30.